The following is an entry in ClinVar:

GRCh38/hg38 Xp22.11-q11.1(chrX:24277091-62884949)x2

Genes: MAGEB1 (MAGE family member B1; plus strand), MAGEB10 (MAGE family member B10; plus strand), MAGEB16 (MAGE family member B16; plus strand), MAGEB18 (MAGE family member B18; plus strand), MAGEB2 (MAGE family member B2; plus strand) and 719 more. Cytogenetic location: Xp22.11-q11.1.
Variant type: copy number gain.
Change: copy number 2 of chrX:24,277,091-62,884,949 (38.61 Mb, GRCh38 coordinates, 1-based), cytogenetic band Xp22.11-q11.1.
Identifiers: ClinVar variation 4890959 (VCV004890959.1).

ClinVar aggregate classification (germline): Pathogenic (1 of 4 stars; one submission).

Submission:

Clinical Genomics Laboratory, Laboratory for Precision Diagnostics, University of Washington
Classification: Pathogenic. Last evaluated: 2023-11-07. Review status: criteria provided, single submitter. Criteria: ACMG/ClinGen CNV Guidelines, 2019. Collection method: clinical testing. Allele origin: unknown. Affected: yes. Observed: 1 variant allele, 1 mosaic individual.
Comment: A pathogenic mosaic gain of chromosome Xp22.11q11.1 was detected. Considering all available results, this is most consistent with mosaicism for a marker or ring chromosome derived from the X chromosome. The XIST region is not included in the ring or marker. The absence of XIST on the marker or ring X would lead to escape from X-inactivation, and functional disomy of this region of Xp.

Literature cited by the submitters: PubMed 20856023; PubMed 16566039; PubMed 12575022; PubMed 18286820; PubMed 1424236; PubMed 10982188; PubMed 37667392.